The following is an entry in ClinVar:

NM_001378492.1(CLDN16):c.-93-120A>T

Gene: CLDN16 (claudin 16; plus strand). Cytogenetic location: 3q28.
Variant type: single nucleotide variant.
Coding change: c.-93-120A>T on transcript NM_001378492.1; 120 bases into the intron before 93 bases upstream of the start codon, A replaced by T.
Molecular consequence: intron variant.
Genome position (GRCh38, 1-based): chr3:190,388,117, A>T. VCF-style: chr3-190388117-A-T. GRCh37 (hg19) VCF-style: chr3-190105906-A-T.
Other names: c.-93-120A>T (NM_001378493.1).
Identifiers: ClinVar variation 344443 (VCV000344443.11), dbSNP rs200322099, ClinGen allele CA2753674.

ClinVar aggregate classification (germline): Uncertain significance. Review status: criteria provided, single submitter (1 of 4 stars). 2 submissions from 2 submitters: Uncertain significance (1). 1 of the submissions does not count toward it. Last evaluated 2026-04-14.

Conditions:
CLDN16-related disorder. Also called: CLDN16-related condition.

Allele frequency attached by ClinVar (database versions not stated): TOPMed 0.00235; gnomAD 0.00238 and 0.00216; 1000 Genomes Project 30x 0.00141; 1000 Genomes Project 0.00160; ESP Exome Variant Server 0.00238.
gnomAD v4.1: 692 of 1,613,746 alleles (0.043%); highest among the groups gnomAD compares: African/African-American, 0.78%; 1 homozygote.

Submissions (2):

GeneDx
Classification: Uncertain significance. Last evaluated: 2026-04-14. Review status: criteria provided, single submitter. Criteria: GeneDx Variant Classification Process June 2021. Collection method: clinical testing. Allele origin: germline.
Comment: Nucleotide is not conserved across species and the substitution has no predicted effect on splicing; Has not been previously published as pathogenic or benign to our knowledge; Alters the Kozak sequence, which plays a major role in the initiation of translation

PreventionGenetics, part of Exact Sciences
Classification: Likely benign for CLDN16-related condition. Last evaluated: 2020-04-27. Review status: no assertion criteria provided. Collection method: clinical testing. Allele origin: germline. Not counted in ClinVar's aggregate classification.
Comment: This variant is classified as likely benign based on ACMG/AMP sequence variant interpretation guidelines (Richards et al. 2015 PMID: 25741868, with internal and published modifications).